The following is an entry in ClinVar:

NM_001369268.1(ACAN):c.1201G>A (p.Val401Ile)

Gene: ACAN (aggrecan; plus strand). Cytogenetic location: 15q26.1.
Variant type: single nucleotide variant.
Coding change: c.1201G>A on transcript NM_001369268.1 (MANE Select); coding-DNA position 1201, G replaced by A.
Protein change: p.Val401Ile; replaces valine 401 with isoleucine.
Molecular consequence: missense variant.
Genome position (GRCh38, 1-based): chr15:88,845,654, G>A. VCF-style: chr15-88845654-G-A. GRCh37 (hg19) VCF-style: chr15-89388885-G-A.
Other names: c.1201G>A, p.Val401Ile (NM_001135.4, NM_013227.4); c.1201G>A (NM_013227.3); short protein forms V401I.
Identifiers: ClinVar variation 1499290 (VCV001499290.8), dbSNP rs200027891, ClinGen allele CA7719490.

ClinVar aggregate classification (germline): Uncertain significance. Review status: criteria provided, multiple submitters, no conflicts (2 of 4 stars). 4 submissions from 4 submitters: Uncertain significance (4). Last evaluated 2025-12-14.

Conditions:
ACAN-related disorder. Also called: ACAN-related condition; ACAN-related disorders.
Inborn genetic diseases. Identifiers: MedGen C0950123, MeSH D030342.

Allele frequency attached by ClinVar (database versions not stated): gnomAD 0.00002 and 0.00003; gnomAD exomes 0.00004 and 0.00008; TOPMed 0.00004; ExAC 0.00008; ESP Exome Variant Server 0.00008.
gnomAD v4.1: 71 of 1,613,912 alleles (0.0044%); highest among the groups gnomAD compares: South Asian, 0.019%; no homozygotes.

Submissions (4):

Labcorp Genetics (formerly Invitae), Labcorp
Classification: Uncertain significance. Last evaluated: 2025-12-14. Review status: criteria provided, single submitter. Criteria: Invitae Variant Classification Sherloc (09022015). Collection method: clinical testing. Allele origin: germline.
Comment: This sequence change replaces valine, which is neutral and non-polar, with isoleucine, which is neutral and non-polar, at codon 401 of the ACAN protein (p.Val401Ile). This variant is present in population databases (rs200027891, gnomAD 0.03%). This variant has not been reported in the literature in individuals affected with ACAN-related conditions. ClinVar contains an entry for this variant (Variation ID: 1499290). Invitae Evidence Modeling of protein sequence and biophysical properties (such as structural, functional, and spatial information, amino acid conservation, physicochemical variation, residue mobility, and thermodynamic stability) indicates that this missense variant is not expected to disrupt ACAN protein function with a negative predictive value of 80%. In summary, the available evidence is currently insufficient to determine the role of this variant in disease. Therefore, it has been classified as a Variant of Uncertain Significance.

PreventionGenetics, part of Exact Sciences
Classification: Uncertain significance for ACAN-related condition. Last evaluated: 2025-03-11. Review status: criteria provided, single submitter. Criteria: ACMG Guidelines, 2015. Collection method: clinical testing. Allele origin: germline.
Comment: The ACAN c.1201G>A variant is predicted to result in the amino acid substitution p.Val401Ile. To our knowledge, this variant has not been reported in the literature. This variant is reported in 0.029% of alleles in individuals of South Asian descent in gnomAD. At this time, the clinical significance of this variant is uncertain due to the absence of conclusive functional and genetic evidence.

Ambry Genetics
Classification: Uncertain significance for Inborn genetic diseases. Last evaluated: 2024-07-02. Review status: criteria provided, single submitter. Criteria: Ambry Variant Classification Scheme 2023. Collection method: clinical testing. Allele origin: germline.

Women's Health and Genetics/Laboratory Corporation of America, LabCorp
Classification: Uncertain significance. Last evaluated: 2023-08-07. Review status: criteria provided, single submitter. Criteria: LabCorp Variant Classification Summary - May 2015. Collection method: clinical testing. Allele origin: germline.
Comment: Variant summary: ACAN c.1201G>A (p.Val401Ile) results in a conservative amino acid change in the encoded protein sequence. Five of five in-silico tools predict a benign effect of the variant on protein function. The variant allele was found at a frequency of 8e-05 in 248824 control chromosomes (gnomAD). To our knowledge, no occurrence of c.1201G>A in individuals affected with ACAN-Related Disorders and no experimental evidence demonstrating its impact on protein function have been reported. One ClinVar submitter has assessed the variant since 2014, and classified the variant as uncertain significance. Based on the evidence outlined above, the variant was classified as uncertain significance.